The following is an entry in ClinVar:

ClinVar aggregate classification (germline): Pathogenic (1 of 4 stars; one submission).

Conditions:
Immunodeficiency 51 (IMD51). Also called: CANDIDIASIS, FAMILIAL, 5. Identifiers: Orphanet 1334, MedGen C4310803, MONDO:0013500, OMIM 613953.

Submission:

Labcorp Genetics (formerly Invitae), Labcorp
Classification: Pathogenic for Immunodeficiency 51. Last evaluated: 2022-06-04. Review status: criteria provided, single submitter. Criteria: Invitae Variant Classification Sherloc (09022015). Collection method: clinical testing. Allele origin: germline.
Comment: This sequence change creates a premature translational stop signal (p.Arg263*) in the IL17RA gene. It is expected to result in an absent or disrupted protein product. Loss-of-function variants in IL17RA are known to be pathogenic (PMID: 27930337). This variant is present in population databases (rs778624945, gnomAD 0.006%). For these reasons, this variant has been classified as Pathogenic. ClinVar contains an entry for this variant (Variation ID: 580706). This variant has not been reported in the literature in individuals affected with IL17RA-related conditions.

Literature cited by the submitters: PubMed 27930337.

NM_014339.7(IL17RA):c.787C>T (p.Arg263Ter)

Gene: IL17RA (interleukin 17 receptor A; plus strand). Cytogenetic location: 22q11.1.
Variant type: single nucleotide variant.
Coding change: c.787C>T on transcript NM_014339.7 (MANE Select); coding-DNA position 787, C replaced by T.
Protein change: p.Arg263Ter; replaces arginine 263 with a stop codon.
Molecular consequence: nonsense.
Genome position (GRCh38, 1-based): chr22:17,103,518, C>T. VCF-style: chr22-17103518-C-T. GRCh37 (hg19) VCF-style: chr22-17584408-C-T.
Other names: c.787C>T, p.Arg263Ter (NM_001289905.2); short protein forms R263*.
Identifiers: ClinVar variation 580706 (VCV000580706.7), dbSNP rs778624945, ClinGen allele CA10086490.